The following is an entry in ClinVar:

ClinVar aggregate classification (germline): Uncertain significance (1 of 4 stars; one submission).

Allele frequency attached by ClinVar (database versions not stated): gnomAD 0.00001; gnomAD exomes 0.00001; ExAC 0.00002.
gnomAD v4.1: 9 of 1,613,892 alleles (0.00056%); highest among the groups gnomAD compares: Non-Finnish European, 0.00076%; no homozygotes.

Submission:

Labcorp Genetics (formerly Invitae), Labcorp
Classification: Uncertain significance. Last evaluated: 2021-09-23. Review status: criteria provided, single submitter. Criteria: Invitae Variant Classification Sherloc (09022015). Collection method: clinical testing. Allele origin: germline.
Comment: This sequence change replaces proline with arginine at codon 617 of the MAK protein (p.Pro617Arg). The proline residue is moderately conserved and there is a moderate physicochemical difference between proline and arginine. This variant is present in population databases (rs753694997, ExAC 0.005%). This variant has not been reported in the literature in individuals affected with MAK-related conditions. Experimental studies and prediction algorithms are not available or were not evaluated, and the functional significance of this variant is currently unknown. In summary, the available evidence is currently insufficient to determine the role of this variant in disease. Therefore, it has been classified as a Variant of Uncertain Significance.

NM_001242957.3(MAK):c.1850C>G (p.Pro617Arg)

Gene: MAK (male germ cell associated kinase; minus strand). Cytogenetic location: 6p24.2.
Variant type: single nucleotide variant.
Coding change: c.1850C>G on transcript NM_001242957.3 (MANE Select); coding-DNA position 1850, C replaced by G.
Protein change: p.Pro617Arg; replaces proline 617 with arginine.
Molecular consequence: missense variant. On other transcripts: non-coding transcript variant (2).
Genome position (GRCh38, 1-based): chr6:10,764,549, G>C on the plus strand (C>G on the coding strand, the complement: MAK is on the minus strand). VCF-style: chr6-10764549-G-C. GRCh37 (hg19) VCF-style: chr6-10764782-G-C.
Other names: c.1655C>G, p.Pro552Arg (NM_001242385.2); c.1553C>G, p.Pro518Arg (NM_001377262.1); c.1775C>G, p.Pro592Arg (NM_005906.6); short protein forms P518R, P592R, P552R, P617R.
Identifiers: ClinVar variation 1382753 (VCV001382753.3), dbSNP rs753694997, ClinGen allele CA3633324.